The following is an entry in ClinVar:

NM_000141.5(FGFR2):c.1593G>A (p.Leu531=)

Gene: FGFR2 (fibroblast growth factor receptor 2; minus strand). Cytogenetic location: 10q26.13.
Variant type: single nucleotide variant.
Coding change: c.1593G>A on transcript NM_000141.5 (MANE Select); coding-DNA position 1593, G replaced by A.
Protein change: p.Leu531=; no amino-acid change (leucine 531 retained).
Molecular consequence: synonymous variant. On other transcripts: non-coding transcript variant (1).
Genome position (GRCh38, 1-based): chr10:121,498,574, C>T on the plus strand (G>A on the coding strand, the complement: FGFR2 is on the minus strand). VCF-style: chr10-121498574-C-T. GRCh37 (hg19) VCF-style: chr10-123258088-C-T.
Other names: c.1596G>A, p.Leu532= (NM_001144913.1, NM_022970.4); c.1257G>A, p.Leu419= (NM_001144914.1); c.1326G>A, p.Leu442= (NM_001144915.2, NM_023029.3); c.1248G>A, p.Leu416= (NM_001144916.2, NM_001441090.1); c.1245G>A, p.Leu415= (NM_001144917.2); c.1242G>A, p.Leu414= (NM_001144918.2, NM_001441091.1); c.1329G>A, p.Leu443= (NM_001144919.2); c.909G>A, p.Leu303= (NM_001320654.2); and 4 more.
Identifiers: ClinVar variation 4529904 (VCV004529904.1).
Genomic context (GRCh38, chr10:121,498,574, plus strand): 5'-AAGAAGATTTATGATATTCTTGTGTTTCCCAATCATCTTCATCATCTCCATCTCTGACAC[C>T]AGATCAGAAAGGTCTTTCTCTGTGGCATCATCTATGAACAGTAGGCATATTCACAAATCA-3'
Protein context (NP_000132.3, residues 521-541): DDATEKDLSD[Leu531=]VSEMEMMKMI

ClinVar aggregate classification (germline): Uncertain significance (1 of 4 stars; one submission).

Submission:

GeneDx
Classification: Uncertain significance. Last evaluated: 2025-05-15. Review status: criteria provided, single submitter. Criteria: GeneDx Variant Classification Process June 2021. Collection method: clinical testing. Allele origin: germline. Affected: yes.
Comment: Not observed at significant frequency in large population cohorts (gnomAD); Has not been previously published as pathogenic or benign to our knowledge; In silico analysis suggests this variant may impact gene splicing. In the absence of RNA/functional studies, the actual effect of this sequence change is unknown.